The following is an entry in ClinVar:

ClinVar aggregate classification (germline): Uncertain significance (1 of 4 stars; one submission).

Conditions:
Hereditary cancer-predisposing syndrome. Also called: Neoplastic Syndromes, Hereditary; Tumor predisposition; Hereditary Cancer Syndrome; Hereditary neoplastic syndrome. Identifiers: Orphanet 140162, MedGen C0027672, MeSH D009386, MONDO:0015356.

Submission:

Ambry Genetics
Classification: Uncertain significance for Hereditary cancer-predisposing syndrome. Last evaluated: 2021-12-01. Review status: criteria provided, single submitter. Criteria: Ambry Variant Classification Scheme 2023. Collection method: clinical testing. Allele origin: germline.
Comment: The p.Y1225H variant (also known as c.3673T>C), located in coding exon 20 of the DICER1 gene, results from a T to C substitution at nucleotide position 3673. The tyrosine at codon 1225 is replaced by histidine, an amino acid with similar properties. This amino acid position is not well conserved in available vertebrate species. In addition, this alteration is predicted to be tolerated by in silico analysis. Since supporting evidence is limited at this time, the clinical significance of this alteration remains unclear.

NM_177438.3(DICER1):c.3673T>C (p.Tyr1225His)

Gene: DICER1 (dicer 1, ribonuclease III; minus strand). Cytogenetic location: 14q32.13.
Variant type: single nucleotide variant.
Coding change: c.3673T>C on transcript NM_177438.3 (MANE Select); coding-DNA position 3673, T replaced by C.
Protein change: p.Tyr1225His; replaces tyrosine 1225 with histidine.
Molecular consequence: missense variant. On other transcripts: non-coding transcript variant (6).
Genome position (GRCh38, 1-based): chr14:95,103,723, A>G on the plus strand (T>C on the coding strand, the complement: DICER1 is on the minus strand). VCF-style: chr14-95103723-A-G. GRCh37 (hg19) VCF-style: chr14-95570060-A-G.
Other names: c.3673T>C, p.Tyr1225His (NM_001195573.1, NM_001271282.3, NM_001291628.2 and 13 more transcripts); c.3391T>C, p.Tyr1131His (NM_001395686.1); c.3268T>C, p.Tyr1090His (NM_001395687.1, NM_001395688.1, NM_001395689.1 and 2 more transcripts); c.3106T>C, p.Tyr1036His (NM_001395691.1); c.1990T>C, p.Tyr664His (NM_001395697.1); short protein forms Y1225H, Y1131H, Y664H, Y1036H, Y1090H.
Identifiers: ClinVar variation 1733816 (VCV001733816.2), dbSNP rs2542703450, ClinGen allele CA390874414.